The following is an entry in ClinVar:

ClinVar aggregate classification (germline): Uncertain significance. Review status: criteria provided, multiple submitters, no conflicts (2 of 4 stars). 3 submissions from 3 submitters: Uncertain significance (3). Last evaluated 2025-08-10.

Conditions:
Inborn genetic diseases. Identifiers: MedGen C0950123, MeSH D030342.
Hermansky-Pudlak syndrome 1 (HPS1). Also called: DELTA STORAGE POOL DISEASE. Identifiers: Orphanet 231500, Orphanet 79430, MedGen C2931875, MONDO:0008748, OMIM 203300.

Allele frequency attached by ClinVar (database versions not stated): ExAC 0.00001; gnomAD exomes 0.00001.
gnomAD v4.1: 9 of 1,613,952 alleles (0.00056%); highest among the groups gnomAD compares: Non-Finnish European, 0.00076%; no homozygotes.

Submissions (3):

Ambry Genetics
Classification: Uncertain significance for Inborn genetic diseases. Last evaluated: 2025-08-10. Review status: criteria provided, single submitter. Criteria: Ambry Variant Classification Scheme 2023. Collection method: clinical testing. Allele origin: germline.

Fulgent Genetics
Classification: Uncertain significance for Hermansky-Pudlak syndrome 1. Last evaluated: 2024-06-07. Review status: criteria provided, single submitter. Criteria: ACMG Guidelines, 2015. Collection method: clinical testing. Allele origin: germline.

Labcorp Genetics (formerly Invitae), Labcorp
Classification: Uncertain significance. Last evaluated: 2023-08-17. Review status: criteria provided, single submitter. Criteria: Invitae Variant Classification Sherloc (09022015). Collection method: clinical testing. Allele origin: germline.
Comment: In summary, the available evidence is currently insufficient to determine the role of this variant in disease. Therefore, it has been classified as a Variant of Uncertain Significance. Advanced modeling of protein sequence and biophysical properties (such as structural, functional, and spatial information, amino acid conservation, physicochemical variation, residue mobility, and thermodynamic stability) performed at Invitae indicates that this missense variant is not expected to disrupt HPS1 protein function. ClinVar contains an entry for this variant (Variation ID: 1963415). This variant has not been reported in the literature in individuals affected with HPS1-related conditions. This variant is present in population databases (rs774632359, gnomAD 0.0009%). This sequence change replaces arginine, which is basic and polar, with lysine, which is basic and polar, at codon 591 of the HPS1 protein (p.Arg591Lys).

NM_000195.5(HPS1):c.1772G>A (p.Arg591Lys)

Gene: HPS1 (HPS1 biogenesis of lysosomal organelles complex 3 subunit 1; minus strand). Cytogenetic location: 10q24.2.
Variant type: single nucleotide variant.
Coding change: c.1772G>A on transcript NM_000195.5 (MANE Select); coding-DNA position 1772, G replaced by A.
Protein change: p.Arg591Lys; replaces arginine 591 with lysine.
Molecular consequence: missense variant.
Genome position (GRCh38, 1-based): chr10:98,420,130, C>T on the plus strand (G>A on the coding strand, the complement: HPS1 is on the minus strand). VCF-style: chr10-98420130-C-T. GRCh37 (hg19) VCF-style: chr10-100179887-C-T.
Other names: c.800G>A, p.Arg267Lys (NM_001311345.2, NM_001322487.2, NM_001322489.2); c.1772G>A, p.Arg591Lys (NM_001322476.2, NM_001322477.2); c.1673G>A, p.Arg558Lys (NM_001322478.2, NM_001322479.2); c.1511G>A, p.Arg504Lys (NM_001322480.2, NM_001322481.2); c.1412G>A, p.Arg471Lys (NM_001322482.2); c.1403G>A, p.Arg468Lys (NM_001322483.2, NM_001322484.2); c.1304G>A, p.Arg435Lys (NM_001322485.2); c.1772G>A (NM_000195.3); short protein forms R435K, R558K, R471K, R591K, R267K, R468K, R504K.
Identifiers: ClinVar variation 1963415 (VCV001963415.6), dbSNP rs774632359, ClinGen allele CA5638888.